The following is an entry in ClinVar:

NM_001457.4(FLNB):c.4062-267G>A

Gene: FLNB (filamin B; plus strand). Cytogenetic location: 3p14.3.
Variant type: single nucleotide variant.
Coding change: c.4062-267G>A on transcript NM_001457.4 (MANE Select); 267 bases into the intron before coding-DNA position 4062, G replaced by A.
Molecular consequence: intron variant.
Genome position (GRCh38, 1-based): chr3:58,126,335, G>A. VCF-style: chr3-58126335-G-A. GRCh37 (hg19) VCF-style: chr3-58112062-G-A.
Other names: c.4062-267G>A (NM_001164317.2, NM_001164318.2, NM_001164319.2).
Identifiers: ClinVar variation 671101 (VCV000671101.1), dbSNP rs9829490, ClinGen allele CA11444280.

ClinVar aggregate classification (germline): Benign (1 of 4 stars; one submission).

Allele frequency attached by ClinVar (database versions not stated): gnomAD 0.40843 and 0.41710; TOPMed 0.44265; 1000 Genomes Project 0.62041; 1000 Genomes Project 30x 0.62242.
gnomAD v4.1: 63,257 of 151,954 alleles (42%); highest among the groups gnomAD compares: East Asian, 91%; 16,340 homozygotes.

Submission:

GeneDx
Classification: Benign. Last evaluated: 2018-06-14. Review status: criteria provided, single submitter. Criteria: GeneDx Variant Classification (06012015). Collection method: clinical testing. Allele origin: germline. Affected: yes.
Comment: This variant is considered likely benign or benign based on one or more of the following criteria: it is a conservative change, it occurs at a poorly conserved position in the protein, it is predicted to be benign by multiple in silico algorithms, and/or has population frequency not consistent with disease.